The following is an entry in ClinVar:

ClinVar aggregate classification (germline): Uncertain significance (1 of 4 stars; one submission).

Conditions:
PHIP-related disorder. Also called: PHIP-related disorders; PHIP-related condition.

Submission:

PreventionGenetics, part of Exact Sciences
Classification: Uncertain significance for PHIP-related condition. Last evaluated: 2024-11-04. Review status: criteria provided, single submitter. Criteria: ACMG Guidelines, 2015. Collection method: clinical testing. Allele origin: germline.
Comment: The PHIP c.2420G>A variant is predicted to result in the amino acid substitution p.Arg807Lys. To our knowledge, this variant has not been reported in the literature. This variant is reported in 0.00088% of alleles in individuals of European (Non-Finnish) descent in gnomAD. At this time, the clinical significance of this variant is uncertain due to the absence of conclusive functional and genetic evidence.

NM_017934.7(PHIP):c.2420G>A (p.Arg807Lys)

Gene: PHIP (PHIP subunit of CUL4-Ring ligase complex; minus strand). Cytogenetic location: 6q14.1.
Variant type: single nucleotide variant.
Coding change: c.2420G>A on transcript NM_017934.7 (MANE Select); coding-DNA position 2420, G replaced by A.
Protein change: p.Arg807Lys; replaces arginine 807 with lysine.
Molecular consequence: missense variant.
Genome position (GRCh38, 1-based): chr6:78,988,249, C>T on the plus strand (G>A on the coding strand, the complement: PHIP is on the minus strand). VCF-style: chr6-78988249-C-T. GRCh37 (hg19) VCF-style: chr6-79697966-C-T.
Other names: short protein forms R807K.
Identifiers: ClinVar variation 4998463 (VCV004998463.1).